The following is an entry in ClinVar:

NM_000400.4(ERCC2):c.1276C>T (p.Pro426Ser)

Gene: ERCC2 (ERCC excision repair 2, TFIIH core complex helicase subunit; minus strand). Cytogenetic location: 19q13.32.
Variant type: single nucleotide variant.
Coding change: c.1276C>T on transcript NM_000400.4 (MANE Select); coding-DNA position 1276, C replaced by T.
Protein change: p.Pro426Ser; replaces proline 426 with serine.
Molecular consequence: missense variant.
Genome position (GRCh38, 1-based): chr19:45,357,661, G>A on the plus strand (C>T on the coding strand, the complement: ERCC2 is on the minus strand). VCF-style: chr19-45357661-G-A. GRCh37 (hg19) VCF-style: chr19-45860919-G-A.
Other names: short protein forms P426S.
Identifiers: ClinVar variation 329514 (VCV000329514.7), dbSNP rs577723968, ClinGen allele CA9513388.

ClinVar aggregate classification (germline): Uncertain significance. Review status: criteria provided, multiple submitters, no conflicts (2 of 4 stars). 2 submissions from 2 submitters: Uncertain significance (2). Last evaluated 2021-10-17.

Conditions:
Inborn genetic diseases. Identifiers: MedGen C0950123, MeSH D030342.
Xeroderma pigmentosum, group D (XPD). Also called: ERCC2-Related Xeroderma Pigmentosum; XERODERMA PIGMENTOSUM, COMPLEMENTATION GROUP D; XERODERMA PIGMENTOSUM IV; XP, GROUP D; XP, GROUP H. Identifiers: MedGen C0268138, MONDO:0010212, OMIM 278730.

Submissions (2):

Ambry Genetics
Classification: Uncertain significance for Inborn genetic diseases. Last evaluated: 2021-10-17. Review status: criteria provided, single submitter. Criteria: Ambry Variant Classification Scheme 2023. Collection method: clinical testing. Allele origin: germline.
Comment: The p.P426S variant (also known as c.1276C>T), located in coding exon 13 of the ERCC2 gene, results from a C to T substitution at nucleotide position 1276. The proline at codon 426 is replaced by serine, an amino acid with similar properties. This amino acid position is conserved. In addition, the in silico prediction for this alteration is inconclusive. Since supporting evidence is limited at this time, the clinical significance of this alteration remains unclear.

Illumina Laboratory Services, Illumina
Classification: Uncertain significance for Xeroderma pigmentosum, group D. Last evaluated: 2018-01-12. Review status: criteria provided, single submitter. Criteria: ICSL Variant Classification Criteria 13 December 2019. Collection method: clinical testing. Allele origin: germline.